The following is an entry in ClinVar:

ClinVar aggregate classification (germline): Uncertain significance. Review status: criteria provided, multiple submitters, no conflicts (2 of 4 stars). 2 submissions from 2 submitters: Uncertain significance (2). Last evaluated 2023-09-24.

Conditions:
Inborn genetic diseases. Identifiers: MedGen C0950123, MeSH D030342.

Allele frequency attached by ClinVar (database versions not stated): gnomAD 0.00001; gnomAD exomes 0.00001 and 0.00002; TOPMed 0.00002.

Submissions (2):

Ambry Genetics
Classification: Uncertain significance for Inborn genetic diseases. Last evaluated: 2023-09-24. Review status: criteria provided, single submitter. Criteria: Ambry Variant Classification Scheme 2023. Collection method: clinical testing. Allele origin: germline.
Comment: The p.R227C variant (also known as c.679C>T), located in coding exon 5 of the CDH2 gene, results from a C to T substitution at nucleotide position 679. The arginine at codon 227 is replaced by cysteine, an amino acid with highly dissimilar properties. This amino acid position is conserved. In addition, this alteration is predicted to be deleterious by in silico analysis. Since supporting evidence is limited at this time, the clinical significance of this alteration remains unclear.

Labcorp Genetics (formerly Invitae), Labcorp
Classification: Uncertain significance. Last evaluated: 2022-03-13. Review status: criteria provided, single submitter. Criteria: Invitae Variant Classification Sherloc (09022015). Collection method: clinical testing. Allele origin: germline.
Comment: This sequence change replaces arginine, which is basic and polar, with cysteine, which is neutral and slightly polar, at codon 227 of the CDH2 protein (p.Arg227Cys). In summary, the available evidence is currently insufficient to determine the role of this variant in disease. Therefore, it has been classified as a Variant of Uncertain Significance. Algorithms developed to predict the effect of missense changes on protein structure and function are either unavailable or do not agree on the potential impact of this missense change (SIFT: "Deleterious"; PolyPhen-2: "Probably Damaging"; Align-GVGD: "Class C0"). This variant has not been reported in the literature in individuals affected with CDH2-related conditions. This variant is present in population databases (no rsID available, gnomAD 0.01%).

NM_001792.5(CDH2):c.679C>T (p.Arg227Cys)

Gene: CDH2 (cadherin 2; minus strand). Cytogenetic location: 18q12.1.
Variant type: single nucleotide variant.
Coding change: c.679C>T on transcript NM_001792.5 (MANE Select); coding-DNA position 679, C replaced by T.
Protein change: p.Arg227Cys; replaces arginine 227 with cysteine.
Molecular consequence: missense variant.
Genome position (GRCh38, 1-based): chr18:28,009,740, G>A on the plus strand (C>T on the coding strand, the complement: CDH2 is on the minus strand). VCF-style: chr18-28009740-G-A. GRCh37 (hg19) VCF-style: chr18-25589704-G-A.
Other names: c.586C>T, p.Arg196Cys (NM_001308176.2); c.679C>T (NM_001792.3); short protein forms R196C, R227C.
Identifiers: ClinVar variation 1436834 (VCV001436834.7), dbSNP rs997137643, ClinGen allele CA297918000.